The following is an entry in ClinVar:

ClinVar aggregate classification (germline): Pathogenic (1 of 4 stars; one submission).

Conditions:
Hyper-IgM syndrome type 5 (HIGM5). Also called: Hyper-IgM Immunodeficiency Syndrome, Type 5. Identifiers: Orphanet 101092, MedGen C1720958, MONDO:0011971, OMIM 608106.

Submission:

Labcorp Genetics (formerly Invitae), Labcorp
Classification: Pathogenic for Hyper-IgM syndrome type 5. Last evaluated: 2021-12-19. Review status: criteria provided, single submitter. Criteria: Invitae Variant Classification Sherloc (09022015). Collection method: clinical testing. Allele origin: germline.
Comment: For these reasons, this variant has been classified as Pathogenic. This variant has not been reported in the literature in individuals affected with UNG-related conditions. This variant is not present in population databases (gnomAD no frequency). This sequence change creates a premature translational stop signal (p.Arg84Lysfs*59) in the UNG gene. It is expected to result in an absent or disrupted protein product. Loss-of-function variants in UNG are known to be pathogenic (PMID: 12958596).

Literature cited by the submitters: PubMed 12958596.

NM_080911.3(UNG):c.250dup (p.Arg84fs)

Gene: UNG (uracil DNA glycosylase; plus strand). Cytogenetic location: 12q24.11.
Variant type: Duplication.
Coding change: c.250dup on transcript NM_080911.3 (MANE Select); coding-DNA position 250, one base duplicated (A; older notation c.250dupA).
Protein change: p.Arg84fs; shifts the reading frame from arginine 84.
Molecular consequence: frameshift variant.
Genome position (GRCh38, 1-based): chr12:109,098,549, A duplicated. VCF-style (leftmost placement, unchanged base first): chr12-109098548-C-CA. GRCh37 (hg19) VCF-style: chr12-109536353-C-CA.
Other names: c.223dup, p.Arg75fs (NM_003362.4); short protein forms R75fs, R84fs.
Identifiers: ClinVar variation 2048165 (VCV002048165.4), dbSNP rs2499977965, ClinGen allele CA2580085748.